The following is an entry in ClinVar:

ClinVar aggregate classification (germline): Uncertain significance. Review status: criteria provided, multiple submitters, no conflicts (2 of 4 stars). 3 submissions from 3 submitters: Uncertain significance (3). Last evaluated 2025-01-06.

Allele frequency attached by ClinVar (database versions not stated): gnomAD 0.00003 and 0.00004; gnomAD exomes 0.00003 and 0.00010; ExAC 0.00006; TOPMed 0.00006; ESP Exome Variant Server 0.00008.
gnomAD v4.1: 46 of 1,613,280 alleles (0.0029%); highest among the groups gnomAD compares: Admixed American, 0.04%; no homozygotes.

Submissions (3):

Labcorp Genetics (formerly Invitae), Labcorp
Classification: Uncertain significance. Last evaluated: 2025-01-06. Review status: criteria provided, single submitter. Criteria: Invitae Variant Classification Sherloc (09022015). Collection method: clinical testing. Allele origin: germline.
Comment: This sequence change replaces threonine, which is neutral and polar, with methionine, which is neutral and non-polar, at codon 2438 of the HSPG2 protein (p.Thr2438Met). This variant is present in population databases (rs148141547, gnomAD 0.06%). This variant has not been reported in the literature in individuals affected with HSPG2-related conditions. ClinVar contains an entry for this variant (Variation ID: 1313382). An algorithm developed to predict the effect of missense changes on protein structure and function (PolyPhen-2) suggests that this variant is likely to be disruptive. In summary, the available evidence is currently insufficient to determine the role of this variant in disease. Therefore, it has been classified as a Variant of Uncertain Significance.

GeneDx
Classification: Uncertain significance. Last evaluated: 2020-10-29. Review status: criteria provided, single submitter. Criteria: GeneDx Variant Classification Process June 2021. Collection method: clinical testing. Allele origin: germline. Affected: yes.
Comment: In silico analysis supports that this missense variant does not alter protein structure/function; Has not been previously published as pathogenic or benign to our knowledge

Revvity Omics, Revvity
Classification: Uncertain significance. Last evaluated: 2020-01-06. Review status: criteria provided, single submitter. Criteria: ACMG Guidelines, 2015. Collection method: clinical testing. Allele origin: germline.

NM_005529.7(HSPG2):c.7313C>T (p.Thr2438Met)

Gene: HSPG2 (heparan sulfate proteoglycan 2; minus strand). Cytogenetic location: 1p36.12.
Variant type: single nucleotide variant.
Coding change: c.7313C>T on transcript NM_005529.7 (MANE Select); coding-DNA position 7313, C replaced by T.
Protein change: p.Thr2438Met; replaces threonine 2438 with methionine.
Molecular consequence: missense variant.
Genome position (GRCh38, 1-based): chr1:21,850,174, G>A on the plus strand (C>T on the coding strand, the complement: HSPG2 is on the minus strand). VCF-style: chr1-21850174-G-A. GRCh37 (hg19) VCF-style: chr1-22176667-G-A.
Other names: c.7316C>T, p.Thr2439Met (NM_001291860.2); short protein forms T2438M, T2439M.
Identifiers: ClinVar variation 1313382 (VCV001313382.9), dbSNP rs148141547, ClinGen allele CA671230.